The following is an entry in ClinVar:

NM_000037.4(ANK1):c.4156T>C (p.Tyr1386His)

Gene: ANK1 (ankyrin 1; minus strand). Cytogenetic location: 8p11.21.
Variant type: single nucleotide variant.
Coding change: c.4156T>C on transcript NM_000037.4 (MANE Select); coding-DNA position 4156, T replaced by C.
Protein change: p.Tyr1386His; replaces tyrosine 1386 with histidine.
Molecular consequence: missense variant.
Genome position (GRCh38, 1-based): chr8:41,688,538, A>G on the plus strand (T>C on the coding strand, the complement: ANK1 is on the minus strand). VCF-style: chr8-41688538-A-G. GRCh37 (hg19) VCF-style: chr8-41546056-A-G.
Other names: c.4156T>C (NM_020476.2); c.4279T>C, p.Tyr1427His (NM_001142446.2); c.4156T>C, p.Tyr1386His (NM_020475.3, NM_020476.3, NM_020477.3); short protein forms Y1386H, Y1427H.
Identifiers: ClinVar variation 362993 (VCV000362993.20), dbSNP rs201439151, ClinGen allele CA4727646.

ClinVar aggregate classification (germline): Uncertain significance. Review status: criteria provided, multiple submitters, no conflicts (2 of 4 stars). 7 submissions from 6 submitters: Uncertain significance (6). 1 of the submissions does not count toward it. Last evaluated 2025-04-21.

Conditions:
Inborn genetic diseases. Identifiers: MedGen C0950123, MeSH D030342.
Hereditary spherocytosis type 1. Also called: Spherocytosis type 1; ANK1-Related Spherocytosis. Identifiers: Orphanet 822, MedGen C2674218, MONDO:0008447, OMIM 182900.
Spherocytosis. Identifiers: MedGen C0553720, HP:0004444.
ANK1-related disorder. Also called: ANK1-related condition.

Allele frequency attached by ClinVar (database versions not stated): ESP Exome Variant Server 0.00008; 1000 Genomes Project 30x 0.00016; TOPMed 0.00018; 1000 Genomes Project 0.00020; ExAC 0.00026; gnomAD exomes 0.00031 and 0.00032; gnomAD 0.00040 and 0.00041.
gnomAD v4.1: 505 of 1,614,218 alleles (0.031%); highest among the groups gnomAD compares: Non-Finnish European, 0.031%; 1 homozygote.

Submissions (7):

Mayo Clinic Laboratories, Mayo Clinic
Classification: Uncertain significance. Last evaluated: 2025-04-21. Review status: criteria provided, single submitter. Criteria: ACMG Guidelines, 2015. Collection method: clinical testing. Allele origin: germline. Observed: 2 variant alleles.
Comment: BP4

Revvity Omics, Revvity
Classification: Uncertain significance for Hereditary spherocytosis type 1. Last evaluated: 2022-03-31. Review status: criteria provided, single submitter. Criteria: ACMG Guidelines, 2015. Collection method: clinical testing. Allele origin: germline.

Ambry Genetics
Classification: Uncertain significance for Inborn genetic diseases. Last evaluated: 2021-07-06. Review status: criteria provided, single submitter. Criteria: Ambry Variant Classification Scheme 2023. Collection method: clinical testing. Allele origin: germline.

Illumina Laboratory Services, Illumina
Classification: Uncertain significance for Hereditary spherocytosis type 1. Last evaluated: 2018-01-13. Review status: criteria provided, single submitter. Criteria: ICSL Variant Classification Criteria 13 December 2019. Collection method: clinical testing. Allele origin: germline.

Illumina Laboratory Services, Illumina
Classification: Uncertain significance for Spherocytosis. Last evaluated: 2018-01-13. Review status: criteria provided, single submitter. Criteria: ICSL Variant Classification Criteria 13 December 2019. Collection method: clinical testing. Allele origin: germline.

ARUP Laboratories, Molecular Genetics and Genomics, ARUP Laboratories
Classification: Uncertain significance. Last evaluated: 2017-10-26. Review status: criteria provided, single submitter. Criteria: ARUP Molecular Germline Variant Investigation Process. Collection method: clinical testing. Allele origin: germline.

PreventionGenetics, part of Exact Sciences
Classification: Likely benign for ANK1-related condition. Last evaluated: 2021-08-04. Review status: no assertion criteria provided. Collection method: clinical testing. Allele origin: germline. Not counted in ClinVar's aggregate classification.
Comment: This variant is classified as likely benign based on ACMG/AMP sequence variant interpretation guidelines (Richards et al. 2015 PMID: 25741868, with internal and published modifications).